The following is an entry in ClinVar:

NM_000258.3(MYL3):c.175A>G (p.Met59Val)

Gene: MYL3 (myosin light chain 3; minus strand). Cytogenetic location: 3p21.31.
Variant type: single nucleotide variant.
Coding change: c.175A>G on transcript NM_000258.3 (MANE Select); coding-DNA position 175, A replaced by G.
Protein change: p.Met59Val; replaces methionine 59 with valine.
Molecular consequence: missense variant.
Genome position (GRCh38, 1-based): chr3:46,860,808, T>C on the plus strand (A>G on the coding strand, the complement: MYL3 is on the minus strand). VCF-style: chr3-46860808-T-C. GRCh37 (hg19) VCF-style: chr3-46902298-T-C.
Other names: c.175A>G, p.Met59Val (NM_001406937.1, NM_001406938.1, NM_001406939.1); c.1A>G, p.Met1Val (NM_001406940.1, NM_001406941.1); short protein forms M1V, M59V.
Identifiers: ClinVar variation 2135346 (VCV002135346.6), dbSNP rs1575498261, ClinGen allele CA352498626.

ClinVar aggregate classification (germline): Uncertain significance. Review status: criteria provided, multiple submitters, no conflicts (2 of 4 stars). 3 submissions from 3 submitters: Uncertain significance (3). Last evaluated 2026-06-12.

Conditions:
Cardiovascular phenotype. Identifiers: MedGen CN230736.
Hypertrophic cardiomyopathy. Also called: HYPERTROPHIC MYOCARDIOPATHY. Identifiers: Orphanet 217569, MedGen C0007194, MeSH D002312, MONDO:0005045, HP:0001639.

Submissions (3):

Ambry Genetics
Classification: Uncertain significance for Cardiovascular phenotype. Last evaluated: 2026-06-12. Review status: criteria provided, single submitter. Criteria: Ambry Variant Classification Scheme 2023. Collection method: clinical testing. Allele origin: germline.
Comment: The p.M59V variant (also known as c.175A>G), located in coding exon 3 of the MYL3 gene, results from an A to G substitution at nucleotide position 175. The methionine at codon 59 is replaced by valine, an amino acid with highly similar properties. This amino acid position is conserved. In addition, this alteration is predicted to be tolerated by in silico analysis. Based on the available evidence, the clinical significance of this variant remains unclear.

Labcorp Genetics (formerly Invitae), Labcorp
Classification: Uncertain significance for Hypertrophic cardiomyopathy. Last evaluated: 2025-02-17. Review status: criteria provided, single submitter. Criteria: Invitae Variant Classification Sherloc (09022015). Collection method: clinical testing. Allele origin: germline.
Comment: This sequence change replaces methionine, which is neutral and non-polar, with valine, which is neutral and non-polar, at codon 59 of the MYL3 protein (p.Met59Val). This variant is not present in population databases (gnomAD no frequency). This variant has not been reported in the literature in individuals affected with MYL3-related conditions. ClinVar contains an entry for this variant (Variation ID: 2135346). An algorithm developed to predict the effect of missense changes on protein structure and function (PolyPhen-2) suggests that this variant is likely to be tolerated. In summary, the available evidence is currently insufficient to determine the role of this variant in disease. Therefore, it has been classified as a Variant of Uncertain Significance.

GeneDx
Classification: Uncertain significance. Last evaluated: 2023-06-09. Review status: criteria provided, single submitter. Criteria: GeneDx Variant Classification Process June 2021. Collection method: clinical testing. Allele origin: germline. Affected: yes.
Comment: Not observed at significant frequency in large population cohorts (gnomAD); In silico analysis supports that this missense variant does not alter protein structure/function; Has not been previously published as pathogenic or benign to our knowledge